The following is an entry in ClinVar:

NM_000441.2(SLC26A4):c.565G>T (p.Ala189Ser)

Gene: SLC26A4 (solute carrier family 26 member 4; plus strand). Cytogenetic location: 7q22.3.
Variant type: single nucleotide variant.
Coding change: c.565G>T on transcript NM_000441.2 (MANE Select); coding-DNA position 565, G replaced by T.
Protein change: p.Ala189Ser; replaces alanine 189 with serine.
Molecular consequence: missense variant.
Genome position (GRCh38, 1-based): chr7:107,674,313, G>T. VCF-style: chr7-107674313-G-T. GRCh37 (hg19) VCF-style: chr7-107314758-G-T.
Other names: NM_000441.1(SLC26A4):c.565G>T(p.Ala189Ser); NM_000441.1(SLC26A4):c.565G>T; short protein forms A189S.
Identifiers: ClinVar variation 43560 (VCV000043560.46), dbSNP rs35045430, ClinGen allele CA132732.

ClinVar aggregate classification (germline): Benign. Review status: reviewed by expert panel (3 of 4 stars). 8 submissions from 8 submitters: Benign (1). 7 of the submissions do not count toward it. Last evaluated 2018-09-28.

Conditions:
Pendred syndrome (PDS). Also called: Pendred's syndrome; DEAFNESS WITH GOITER; GOITER-DEAFNESS SYNDROME; HYPOTHYROIDISM, CONGENITAL, DUE TO DYSHORMONOGENESIS, 2B; THYROID DYSHORMONOGENESIS 2B; THYROID HORMONOGENESIS, GENETIC DEFECT IN, 2B. Identifiers: Orphanet 705, MedGen C0271829, MONDO:0010134, OMIM 274600.

Allele frequency attached by ClinVar (database versions not stated): gnomAD 0.00348 and 0.00378; 1000 Genomes Project 0.00359; 1000 Genomes Project 30x 0.00359; TOPMed 0.00406; ESP Exome Variant Server 0.00408.
gnomAD v4.1: 1,010 of 1,613,874 alleles (0.063%); highest among the groups gnomAD compares: African/African-American, 1.2%; 9 homozygotes.

Submissions (8):

ClinGen Hearing Loss Variant Curation Expert Panel
Classification: Benign for Pendred syndrome. Last evaluated: 2018-09-28. Review status: reviewed by expert panel. Criteria: ClinGen HL ACMG Specifications v1. Collection method: curation. Allele origin: germline. Inheritance: Autosomal recessive inheritance.
Comment: The filtering allele frequency of the p.Ala1898Ser variant in the SLC26A4 gene is 1.2% (324/24040) of African chromosomes by the Genome Aggregation Database (calculated by using inverse allele frequency at an online resource), which is a high enough frequency to be classified as benign based on thresholds defined by the ClinGen Hearing Loss Expert Panel for autosomal recessive hearing loss variants (BA1).

CeGaT Center for Human Genetics Tuebingen
Classification: Likely benign. Last evaluated: 2026-03-01. Review status: criteria provided, single submitter. Criteria: CeGaT Center For Human Genetics Tuebingen Variant Classification Criteria Version 2. Collection method: clinical testing. Allele origin: germline. Affected: yes. Observed: 4 variant alleles. Not counted in ClinVar's aggregate classification.
Comment: SLC26A4: BS1

Labcorp Genetics (formerly Invitae), Labcorp
Classification: Benign. Last evaluated: 2026-01-31. Review status: criteria provided, single submitter. Criteria: Invitae Variant Classification Sherloc (09022015). Collection method: clinical testing. Allele origin: germline. Not counted in ClinVar's aggregate classification.

Mayo Clinic Laboratories, Mayo Clinic
Classification: Benign. Last evaluated: 2024-10-23. Review status: criteria provided, single submitter. Criteria: ACMG Guidelines, 2015. Collection method: clinical testing. Allele origin: germline. Observed: 1 variant allele. Not counted in ClinVar's aggregate classification.
Comment: BA1, BS2

GeneDx
Classification: Benign. Last evaluated: 2019-04-15. Review status: criteria provided, single submitter. Criteria: GeneDx Variant Classification Process June 2021. Collection method: clinical testing. Allele origin: germline. Affected: yes. Not counted in ClinVar's aggregate classification.
Comment: This variant is associated with the following publications: (PMID: 25262649, 17309986, 27771369, 30245029, 30068397)

Eurofins Ntd Llc (ga)
Classification: Benign. Last evaluated: 2016-05-05. Review status: criteria provided, single submitter. Criteria: EGL Classification Definitions 2015. Collection method: clinical testing. Allele origin: germline. Observed: 1 variant allele, 1 heterozygote. Not counted in ClinVar's aggregate classification.

Laboratory for Molecular Medicine, Mass General Brigham Personalized Medicine
Classification: Benign. Last evaluated: 2011-11-14. Review status: criteria provided, single submitter. Criteria: LMM Criteria. Collection method: clinical testing. Allele origin: germline. Observed: 7 variant alleles. Not counted in ClinVar's aggregate classification.
Comment: Ala189Ser in exon 5 of SLC26A4: This variant is not expected to have clinical si gnificance because it has been identified in 0.38% (25/6628) of chromosomes from a broad population (dbSNP rs35045430).

Natera, Inc.
Classification: Benign for Pendred syndrome. Last evaluated: 2020-01-02. Review status: no assertion criteria provided. Collection method: clinical testing. Allele origin: germline. Not counted in ClinVar's aggregate classification.

Literature cited by the submitters: PubMed 17309986 (cited by Laboratory for Molecular Medicine, Mass General Brigham Personalized Medicine).